The following is an entry in ClinVar:

NM_000088.4(COL1A1):c.287C>T (p.Pro96Leu)

Gene: COL1A1 (collagen type I alpha 1 chain; minus strand). Cytogenetic location: 17q21.33.
Variant type: single nucleotide variant.
Coding change: c.287C>T on transcript NM_000088.4 (MANE Select); coding-DNA position 287, C replaced by T.
Protein change: p.Pro96Leu; replaces proline 96 with leucine.
Molecular consequence: missense variant.
Genome position (GRCh38, 1-based): chr17:50,199,764, G>A on the plus strand (C>T on the coding strand, the complement: COL1A1 is on the minus strand). VCF-style: chr17-50199764-G-A. GRCh37 (hg19) VCF-style: chr17-48277125-G-A.
Other names: short protein forms P96L.
Identifiers: ClinVar variation 940897 (VCV000940897.13), dbSNP rs747163212, ClinGen allele CA8645795.
Genomic context (GRCh38, chr17:50,199,764, plus strand): 5'-AGGCCCCAGGCCCCAGGCCCCAGGCCCCAGGCCCCGAGCGCAGCCGCACCTGAGCCGTCG[G>A]GGCAGACGGGACAGCACTCGCCCTCGGGGACTTCGGCGCCGGGGCAGTTCTTGGTCTCGT-3'
Protein context (NP_000079.2, residues 86-106): VPEGECCPVC[Pro96Leu]DGSESPTDQE

ClinVar aggregate classification (germline): Uncertain significance. Review status: criteria provided, multiple submitters, no conflicts (2 of 4 stars). 4 submissions from 4 submitters: Uncertain significance (4). Last evaluated 2026-02-14.

Conditions:
Osteogenesis imperfecta type I (OI1). Also called: Lobstein's Disease; OI, TYPE I; OSTEOGENESIS IMPERFECTA TARDA; OSTEOGENESIS IMPERFECTA WITH BLUE SCLERAE; Lobstein disease; Osteogenesis imperfecta type 1. Identifiers: Orphanet 216796, Orphanet 666, MedGen C0023931, MONDO:0008146, OMIM 166200. Disease mechanism: loss of function.
Cardiovascular phenotype. Identifiers: MedGen CN230736.

Allele frequency attached by ClinVar (database versions not stated): ExAC 0.00001; gnomAD 0.00001; TOPMed 0.00002.
gnomAD v4.1: 8 of 1,612,448 alleles (0.0005%); highest among the groups gnomAD compares: African/African-American, 0.0013%; no homozygotes.

Submissions (4):

Ambry Genetics
Classification: Uncertain significance for Cardiovascular phenotype. Last evaluated: 2026-02-14. Review status: criteria provided, single submitter. Criteria: Ambry Variant Classification Scheme 2023. Collection method: clinical testing. Allele origin: germline.
Comment: The p.P96L variant (also known as c.287C>T), located in coding exon 2 of the COL1A1 gene, results from a C to T substitution at nucleotide position 287. The proline at codon 96 is replaced by leucine, an amino acid with similar properties. This amino acid position is conserved. In addition, this alteration is predicted to be tolerated by in silico analysis. Based on the available evidence, the clinical significance of this variant remains unclear.

Labcorp Genetics (formerly Invitae), Labcorp
Classification: Uncertain significance for Osteogenesis imperfecta type I. Last evaluated: 2025-11-21. Review status: criteria provided, single submitter. Criteria: Invitae Variant Classification Sherloc (09022015). Collection method: clinical testing. Allele origin: germline.
Comment: This sequence change replaces proline, which is neutral and non-polar, with leucine, which is neutral and non-polar, at codon 96 of the COL1A1 protein (p.Pro96Leu). This variant is not present in population databases (gnomAD no frequency). This variant has not been reported in the literature in individuals affected with COL1A1-related conditions. ClinVar contains an entry for this variant (Variation ID: 940897). Invitae Evidence Modeling of protein sequence and biophysical properties (such as structural, functional, and spatial information, amino acid conservation, physicochemical variation, residue mobility, and thermodynamic stability) indicates that this missense variant is not expected to disrupt COL1A1 protein function with a negative predictive value of 95%. In summary, the available evidence is currently insufficient to determine the role of this variant in disease. Therefore, it has been classified as a Variant of Uncertain Significance.

GeneDx
Classification: Uncertain significance. Last evaluated: 2023-07-13. Review status: criteria provided, single submitter. Criteria: GeneDx Variant Classification Process June 2021. Collection method: clinical testing. Allele origin: germline. Affected: yes.
Comment: Has not been previously published as pathogenic or benign to our knowledge; Not observed at significant frequency in large population cohorts (gnomAD); In silico analysis supports that this missense variant has a deleterious effect on protein structure/function; Not located in the triple helical region, where the majority of pathogenic missense variants occur (HGMD)

CENTOGENE GmbH and LLC - Guiding Precision Medicine
Classification: Uncertain significance for Osteogenesis imperfecta type I. Last evaluated: 2020-09-10. Review status: criteria provided, single submitter. Criteria: ACMG Guidelines, 2015. Collection method: clinical testing. Allele origin: germline. Affected: yes.